The following is an entry in ClinVar:

NM_000807.4(GABRA2):c.1288G>T (p.Gly430Cys)

Gene: GABRA2 (gamma-aminobutyric acid type A receptor subunit alpha2; minus strand). Cytogenetic location: 4p12.
Variant type: single nucleotide variant.
Coding change: c.1288G>T on transcript NM_000807.4 (MANE Select); coding-DNA position 1288, G replaced by T.
Protein change: p.Gly430Cys; replaces glycine 430 with cysteine.
Molecular consequence: missense variant.
Genome position (GRCh38, 1-based): chr4:46,250,376, C>A on the plus strand (G>T on the coding strand, the complement: GABRA2 is on the minus strand). VCF-style: chr4-46250376-C-A. GRCh37 (hg19) VCF-style: chr4-46252393-C-A.
Other names: c.1288G>T, p.Gly430Cys (NM_001114175.3, NM_001377146.1, NM_001377147.1 and 4 more transcripts); c.1303G>T, p.Gly435Cys (NM_001286827.3); c.1468G>T, p.Gly490Cys (NM_001330690.2, NM_001377144.1, NM_001377145.1); c.1123G>T, p.Gly375Cys (NM_001377152.1, NM_001377153.1, NM_001377154.1); short protein forms G375C, G430C, G435C, G490C.
Identifiers: ClinVar variation 3368298 (VCV003368298.1).
Genomic context (GRCh38, chr4:46,250,376, plus strand): 5'-TGACCCCTAATACAGGTTCTCTGTTTAAATATGTAGCCCAGTAAACTAAATTAAAGGTAC[C>A]AAACAAAACTGGAAAAACTATTCTGGACATTCTGTCAATTTTGCTAACACTGTTGAAAGT-3'
Protein context (NP_000798.2, residues 420-440): MSRIVFPVLF[Gly430Cys]TFNLVYWATY

ClinVar aggregate classification (germline): Uncertain significance (1 of 4 stars; one submission).

Submission:

GeneDx
Classification: Uncertain significance. Last evaluated: 2024-01-25. Review status: criteria provided, single submitter. Criteria: GeneDx Variant Classification Process June 2021. Collection method: clinical testing. Allele origin: germline. Affected: yes.
Comment: Not observed at significant frequency in large population cohorts (gnomAD); In silico analysis supports that this missense variant has a deleterious effect on protein structure/function; Has not been previously published as pathogenic or benign to our knowledge